The following is an entry in ClinVar:

ClinVar aggregate classification (germline): Pathogenic/Likely pathogenic. Review status: criteria provided, multiple submitters, no conflicts (2 of 4 stars). 2 submissions from 2 submitters: Pathogenic (1); Likely pathogenic (1). Last evaluated 2026-03-08.

Conditions:
Ehlers-Danlos syndrome, classic type, 1 (EDSCL1). Also called: EHLERS-DANLOS SYNDROME, GRAVIS TYPE; EHLERS-DANLOS SYNDROME, SEVERE CLASSIC TYPE; Ehlers-Danlos syndrome, type 1; Ehlers-Danlos Syndrome, Classic Type, COL5A1-Related; EDS I. Identifiers: MedGen C0268335, MONDO:0019567, OMIM 130000.
COL5A2-related disorder. Also called: COL5A2-related condition.

Submissions (2):

PreventionGenetics, part of Exact Sciences
Classification: Likely pathogenic for COL5A2-related condition. Last evaluated: 2026-03-08. Review status: criteria provided, single submitter. Criteria: ACMG Guidelines, 2015. Collection method: clinical testing. Allele origin: germline.
Comment: The COL5A2 c.4220delA variant is predicted to result in a frameshift and premature protein termination (p.Asn1407Thrfs*3). To our knowledge, this variant has not been reported in the literature or in a large population database (gnomAD), indicating this variant is rare. Frameshift variants in COL5A2 are expected to be pathogenic. This variant is interpreted as likely pathogenic.

Labcorp Genetics (formerly Invitae), Labcorp
Classification: Pathogenic for Ehlers-Danlos syndrome, classic type, 1. Last evaluated: 2025-08-31. Review status: criteria provided, single submitter. Criteria: Invitae Variant Classification Sherloc (09022015). Collection method: clinical testing. Allele origin: germline.
Comment: This sequence change creates a premature translational stop signal (p.Asn1407Thrfs*3) in the COL5A2 gene. It is expected to result in an absent or disrupted protein product. Loss-of-function variants in COL5A2 are known to be pathogenic (PMID: 23587214). This variant is not present in population databases (gnomAD no frequency). This variant has not been reported in the literature in individuals affected with COL5A2-related conditions. For these reasons, this variant has been classified as Pathogenic.

Literature cited by the submitters: PubMed 23587214 (cited by Labcorp Genetics (formerly Invitae), Labcorp).

NM_000393.5(COL5A2):c.4220del (p.Asn1407fs)

Gene: COL5A2 (collagen type V alpha 2 chain; minus strand). Cytogenetic location: 2q32.2.
Variant type: Deletion.
Coding change: c.4220del on transcript NM_000393.5 (MANE Select); coding-DNA position 4220, one base deleted (A; older notation c.4220delA).
Protein change: p.Asn1407fs; shifts the reading frame from asparagine 1407.
Molecular consequence: frameshift variant.
Genome position (GRCh38, 1-based): chr2:189,035,049, T deleted on the plus strand (A on the coding strand, the reverse complement: COL5A2 is on the minus strand); the first of 5 consecutive T bases (chr2:189,035,049-189,035,053); deleting any one gives the same sequence. VCF-style (leftmost placement, unchanged base first): chr2-189035048-GT-G. GRCh37 (hg19) VCF-style: chr2-189899774-GT-G.
Other names: c.4220delA (NM_000393.4); short protein forms N1407fs.
Identifiers: ClinVar variation 4726403 (VCV004726403.2).